The following is an entry in ClinVar:

NM_001105206.3(LAMA4):c.383T>G (p.Phe128Cys)

Gene: LAMA4 (laminin subunit alpha 4; minus strand). Cytogenetic location: 6q21.
Variant type: single nucleotide variant.
Coding change: c.383T>G on transcript NM_001105206.3 (MANE Select); coding-DNA position 383, T replaced by G.
Protein change: p.Phe128Cys; replaces phenylalanine 128 with cysteine.
Molecular consequence: missense variant.
Genome position (GRCh38, 1-based): chr6:112,207,060, A>C on the plus strand (T>G on the coding strand, the complement: LAMA4 is on the minus strand). VCF-style: chr6-112207060-A-C. GRCh37 (hg19) VCF-style: chr6-112528261-A-C.
Other names: c.383T>G, p.Phe128Cys (NM_001105207.3, NM_002290.5); short protein forms F128C.
Identifiers: ClinVar variation 1735431 (VCV001735431.2), dbSNP rs2547191420, ClinGen allele CA365380914.

ClinVar aggregate classification (germline): Uncertain significance (1 of 4 stars; one submission).

Conditions:
Cardiovascular phenotype. Identifiers: MedGen CN230736.

Submission:

Ambry Genetics
Classification: Uncertain significance for Cardiovascular phenotype. Last evaluated: 2022-08-03. Review status: criteria provided, single submitter. Criteria: Ambry Variant Classification Scheme 2023. Collection method: clinical testing. Allele origin: germline.
Comment: The p.F128C variant (also known as c.383T>G), located in coding exon 3 of the LAMA4 gene, results from a T to G substitution at nucleotide position 383. The phenylalanine at codon 128 is replaced by cysteine, an amino acid with highly dissimilar properties. This amino acid position is conserved. In addition, this alteration is predicted to be tolerated by in silico analysis. Since supporting evidence is limited at this time, the clinical significance of this alteration remains unclear.